The following is an entry in ClinVar:

ClinVar aggregate classification (germline): Uncertain significance (1 of 4 stars; one submission).

Submission:

Labcorp Genetics (formerly Invitae), Labcorp
Classification: Uncertain significance. Last evaluated: 2024-06-16. Review status: criteria provided, single submitter. Criteria: Invitae Variant Classification Sherloc (09022015). Collection method: clinical testing. Allele origin: germline.
Comment: This sequence change replaces aspartic acid, which is acidic and polar, with glycine, which is neutral and non-polar, at codon 288 of the TOP2B protein (p.Asp288Gly). This variant is not present in population databases (gnomAD no frequency). This variant has not been reported in the literature in individuals affected with TOP2B-related conditions. An algorithm developed to predict the effect of missense changes on protein structure and function (PolyPhen-2) suggests that this variant is likely to be tolerated. In summary, the available evidence is currently insufficient to determine the role of this variant in disease. Therefore, it has been classified as a Variant of Uncertain Significance.

NM_001330700.2(TOP2B):c.878A>G (p.Asp293Gly)

Gene: TOP2B (DNA topoisomerase II beta; minus strand). Cytogenetic location: 3p24.2.
Variant type: single nucleotide variant.
Coding change: c.878A>G on transcript NM_001330700.2 (MANE Select); coding-DNA position 878, A replaced by G.
Protein change: p.Asp293Gly; replaces aspartic acid 293 with glycine.
Molecular consequence: missense variant.
Genome position (GRCh38, 1-based): chr3:25,633,989, T>C on the plus strand (A>G on the coding strand, the complement: TOP2B is on the minus strand). VCF-style: chr3-25633989-T-C. GRCh37 (hg19) VCF-style: chr3-25675480-T-C.
Other names: c.863A>G, p.Asp288Gly (NM_001068.3); short protein forms D288G, D293G.
Identifiers: ClinVar variation 3635689 (VCV003635689.2).